The following is an entry in ClinVar:

ClinVar aggregate classification (germline): Uncertain significance. Review status: criteria provided, multiple submitters, no conflicts (2 of 4 stars). 3 submissions from 3 submitters: Uncertain significance (2). 1 of the submissions does not count toward it. Last evaluated 2024-10-01.

Conditions:
ADCY3-related disorder. Also called: ADCY3-related condition.

Allele frequency attached by ClinVar (database versions not stated): ExAC 0.00006; gnomAD exomes 0.00010 and 0.00011; gnomAD 0.00011; TOPMed 0.00011.
gnomAD v4.1: 179 of 1,613,508 alleles (0.011%); highest among the groups gnomAD compares: Admixed American, 0.027%; no homozygotes.

Submissions (3):

CeGaT Center for Human Genetics Tuebingen
Classification: Uncertain significance. Last evaluated: 2024-10-01. Review status: criteria provided, single submitter. Criteria: CeGaT Center For Human Genetics Tuebingen Variant Classification Criteria Version 2. Collection method: clinical testing. Allele origin: germline. Affected: yes. Observed: 1 variant allele.
Comment: ADCY3: PM2, PM3:Supporting, BP4

Labcorp Genetics (formerly Invitae), Labcorp
Classification: Uncertain significance. Last evaluated: 2022-03-03. Review status: criteria provided, single submitter. Criteria: Invitae Variant Classification Sherloc (09022015). Collection method: clinical testing. Allele origin: germline.
Comment: This sequence change replaces alanine, which is neutral and non-polar, with threonine, which is neutral and polar, at codon 512 of the ADCY3 protein (p.Ala512Thr). This variant is present in population databases (rs199731805, gnomAD 0.02%). This variant has not been reported in the literature in individuals affected with ADCY3-related conditions. Algorithms developed to predict the effect of missense changes on protein structure and function are either unavailable or do not agree on the potential impact of this missense change (SIFT: "Not Available"; PolyPhen-2: "Benign"; Align-GVGD: "Not Available"). Algorithms developed to predict the effect of sequence changes on RNA splicing suggest that this variant may create or strengthen a splice site. In summary, the available evidence is currently insufficient to determine the role of this variant in disease. Therefore, it has been classified as a Variant of Uncertain Significance.

PreventionGenetics, part of Exact Sciences
Classification: Uncertain significance for ADCY3-related condition. Last evaluated: 2024-05-22. Review status: no assertion criteria provided. Collection method: clinical testing. Allele origin: germline. Not counted in ClinVar's aggregate classification.
Comment: The ADCY3 c.1534G>A variant is predicted to result in the amino acid substitution p.Ala512Thr. To our knowledge, this variant has not been reported in the literature. This variant is reported in 0.016% of alleles in individuals of European (Finnish) descent in gnomAD. At this time, the clinical significance of this variant is uncertain due to the absence of conclusive functional and genetic evidence.

NM_004036.5(ADCY3):c.1534G>A (p.Ala512Thr)

Gene: ADCY3 (adenylate cyclase 3; minus strand). Cytogenetic location: 2p23.3.
Variant type: single nucleotide variant.
Coding change: c.1534G>A on transcript NM_004036.5 (MANE Select); coding-DNA position 1534, G replaced by A.
Protein change: p.Ala512Thr; replaces alanine 512 with threonine.
Molecular consequence: missense variant.
Genome position (GRCh38, 1-based): chr2:24,837,045, C>T on the plus strand (G>A on the coding strand, the complement: ADCY3 is on the minus strand). VCF-style: chr2-24837045-C-T. GRCh37 (hg19) VCF-style: chr2-25059914-C-T.
Other names: c.1534G>A, p.Ala512Thr (NM_001320613.2, NM_001377129.1, NM_001377130.1 and 1 more transcripts); c.1600G>A, p.Ala534Thr (NM_001377128.1); c.811G>A, p.Ala271Thr (NM_001377131.1); c.1534G>A (NM_001320613.1); short protein forms A271T, A512T, A534T.
Identifiers: ClinVar variation 1391321 (VCV001391321.19), dbSNP rs199731805, ClinGen allele CA1554085.